The following is an entry in ClinVar:

NM_001555.5(IGSF1):c.673T>C (p.Tyr225His)

Gene: IGSF1 (immunoglobulin superfamily member 1; minus strand). Cytogenetic location: Xq26.1.
Variant type: single nucleotide variant.
Coding change: c.673T>C on transcript NM_001555.5 (MANE Select); coding-DNA position 673, T replaced by C.
Protein change: p.Tyr225His; replaces tyrosine 225 with histidine.
Molecular consequence: missense variant.
Genome position (GRCh38, 1-based): chrX:131,283,259, A>G on the plus strand (T>C on the coding strand, the complement: IGSF1 is on the minus strand). VCF-style: chrX-131283259-A-G. GRCh37 (hg19) VCF-style: chrX-130417233-A-G.
Other names: c.673T>C, p.Tyr225His (NM_001170961.2); c.646T>C, p.Tyr216His (NM_001170962.2); short protein forms Y216H, Y225H.
Identifiers: ClinVar variation 3368669 (VCV003368669.1).

ClinVar aggregate classification (germline): Uncertain significance (1 of 4 stars; one submission).

Submission:

GeneDx
Classification: Uncertain significance. Last evaluated: 2024-02-07. Review status: criteria provided, single submitter. Criteria: GeneDx Variant Classification Process June 2021. Collection method: clinical testing. Allele origin: germline. Affected: yes.
Comment: Not observed at significant frequency in large population cohorts (gnomAD); In silico analysis supports that this missense variant does not alter protein structure/function; Has not been previously published as pathogenic or benign to our knowledge